The following is an entry in ClinVar:

NM_001042492.3(NF1):c.2077A>G (p.Met693Val)

Gene: NF1 (neurofibromin 1; plus strand). Cytogenetic location: 17q11.2.
Variant type: single nucleotide variant.
Coding change: c.2077A>G on transcript NM_001042492.3 (MANE Select); coding-DNA position 2077, A replaced by G.
Protein change: p.Met693Val; replaces methionine 693 with valine.
Molecular consequence: missense variant.
Genome position (GRCh38, 1-based): chr17:31,226,510, A>G. VCF-style: chr17-31226510-A-G. GRCh37 (hg19) VCF-style: chr17-29553528-A-G.
Other names: c.2077A>G, p.Met693Val (NM_000267.4); short protein forms M693V.
Identifiers: ClinVar variation 457563 (VCV000457563.14), dbSNP rs1555613794, ClinGen allele CA398982181.

ClinVar aggregate classification (germline): Conflicting classifications of pathogenicity. Review status: criteria provided, conflicting classifications (1 of 4 stars). 4 submissions from 4 submitters: Uncertain significance (3); Benign (1). Last evaluated 2025-04-21.

Conditions:
Cardiovascular phenotype. Identifiers: MedGen CN230736.
Hereditary cancer-predisposing syndrome. Also called: Hereditary Cancer Syndrome; Hereditary neoplastic syndrome; Tumor predisposition; Neoplastic Syndromes, Hereditary. Identifiers: Orphanet 140162, MedGen C0027672, MeSH D009386, MONDO:0015356.
Neurofibromatosis, type 1 (NF1). Also called: VON RECKLINGHAUSEN DISEASE; NEUROFIBROMATOSIS, TYPE I, SOMATIC; Peripheral type neurofibromatosis; Neurofibromatosis, type I. Identifiers: Orphanet 636, MedGen C0027831, MONDO:0018975, OMIM 162200. Disease mechanism: loss of function.

Allele frequency attached by ClinVar (database versions not stated): gnomAD exomes below 0.00001.
gnomAD v4.1: 3 of 1,613,870 alleles (0.00019%); highest among the groups gnomAD compares: South Asian, 0.0022%; no homozygotes.

Submissions (4):

Labcorp Genetics (formerly Invitae), Labcorp
Classification: Benign for Neurofibromatosis, type 1. Last evaluated: 2025-04-21. Review status: criteria provided, single submitter. Criteria: Invitae Variant Classification Sherloc (09022015). Collection method: clinical testing. Allele origin: germline.

Ambry Genetics
Classification: Uncertain significance for Cardiovascular phenotype; Hereditary cancer-predisposing syndrome. Last evaluated: 2025-04-09. Review status: criteria provided, single submitter. Criteria: Ambry Variant Classification Scheme 2023. Collection method: clinical testing. Allele origin: germline.
Comment: The p.M693V variant (also known as c.2077A>G), located in coding exon 18 of the NF1 gene, results from an A to G substitution at nucleotide position 2077. The methionine at codon 693 is replaced by valine, an amino acid with highly similar properties. In one study, this alteration was not observed in 7,051 unselected female breast cancer patients and was observed in 1/11,241 female controls of Japanese ancestry (Momozawa Y et al. Nat Commun, 2018 10;9:4083). This amino acid position is highly conserved in available vertebrate species. In addition, this alteration is predicted to be deleterious by in silico analysis. Since supporting evidence is limited at this time, the clinical significance of this alteration remains unclear.

Genome-Nilou Lab
Classification: Uncertain significance for Neurofibromatosis, type 1. Last evaluated: 2022-03-15. Review status: criteria provided, single submitter. Criteria: ACMG Guidelines, 2015. Collection method: clinical testing. Allele origin: germline. Affected: no.

GeneDx
Classification: Uncertain significance. Last evaluated: 2018-03-22. Review status: criteria provided, single submitter. Criteria: GeneDx Variant Classification (06012015). Collection method: clinical testing. Allele origin: germline. Affected: yes.
Comment: This variant is denoted NF1 c.2077A>G at the cDNA level, p.Met693Val (M693V) at the protein level, and results in the change of a Methionine to a Valine (ATG>GTG). This variant has not, to our knowledge, been published in the literature as pathogenic or benign. NF1 Met693Val was not observed in large population cohorts (Lek 2016). This variant is located within the GTPase activating protein domain (Luo 2014). In silico analysis, which includes protein predictors and evolutionary conservation, supports that this variant does not alter protein structure/function. Based on currently available evidence, it is unclear whether NF1 Met693Val is a pathogenic or benign variant. We consider it to be a variant of uncertain significance.

Literature cited by the submitters: PubMed 30287823 (cited by Ambry Genetics).